The following is an entry in ClinVar:

ClinVar aggregate classification (germline): Uncertain significance (1 of 4 stars; one submission).

Submission:

Labcorp Genetics (formerly Invitae), Labcorp
Classification: Uncertain significance. Last evaluated: 2025-06-17. Review status: criteria provided, single submitter. Criteria: Invitae Variant Classification Sherloc (09022015). Collection method: clinical testing. Allele origin: germline.
Comment: This sequence change replaces methionine, which is neutral and non-polar, with isoleucine, which is neutral and non-polar, at codon 198 of the NDUFAF1 protein (p.Met198Ile). This variant is present in population databases (no rsID available, gnomAD 0.01%). This variant has not been reported in the literature in individuals affected with NDUFAF1-related conditions. An algorithm developed to predict the effect of missense changes on protein structure and function (PolyPhen-2) suggests that this variant is likely to be tolerated. In summary, the available evidence is currently insufficient to determine the role of this variant in disease. Therefore, it has been classified as a Variant of Uncertain Significance.

NM_016013.4(NDUFAF1):c.594G>A (p.Met198Ile)

Gene: NDUFAF1 (NADH:ubiquinone oxidoreductase complex assembly factor 1; minus strand). Cytogenetic location: 15q15.1.
Variant type: single nucleotide variant.
Coding change: c.594G>A on transcript NM_016013.4 (MANE Select); coding-DNA position 594, G replaced by A.
Protein change: p.Met198Ile; replaces methionine 198 with isoleucine.
Molecular consequence: missense variant. On other transcripts: non-coding transcript variant (3).
Genome position (GRCh38, 1-based): chr15:41,395,024, C>T on the plus strand (G>A on the coding strand, the complement: NDUFAF1 is on the minus strand). VCF-style: chr15-41395024-C-T. GRCh37 (hg19) VCF-style: chr15-41687222-C-T.
Other names: c.594G>A, p.Met198Ile (NM_001437486.1, NM_001437487.1, NM_001437488.1 and 2 more transcripts); short protein forms M198I.
Identifiers: ClinVar variation 4765689 (VCV004765689.1).